The following is an entry in ClinVar:

NM_000883.4(IMPDH1):c.116G>A (p.Arg39Gln)

Genes: IMPDH1 (inosine monophosphate dehydrogenase 1; minus strand), LOC129999258 (ATAC-STARR-seq lymphoblastoid silent region 18606; plus strand). Cytogenetic location: 7q32.1.
Variant type: single nucleotide variant.
Coding change: c.116G>A on transcript NM_000883.4 (MANE Select); coding-DNA position 116, G replaced by A.
Protein change: p.Arg39Gln; replaces arginine 39 with glutamine.
Molecular consequence: missense variant.
Genome position (GRCh38, 1-based): chr7:128,409,786, C>T on the plus strand (G>A on the coding strand, the complement: IMPDH1 is on the minus strand). VCF-style: chr7-128409786-C-T. GRCh37 (hg19) VCF-style: chr7-128049840-C-T.
Other names: c.116G>A, p.Arg39Gln (NM_001102605.2, NM_001142576.2, NM_001304521.2 and 1 more transcripts); short protein forms R39Q.
Identifiers: ClinVar variation 2000251 (VCV002000251.4), dbSNP rs1393085384, ClinGen allele CA369181870.

ClinVar aggregate classification (germline): Uncertain significance (1 of 4 stars; one submission).

Submission:

Labcorp Genetics (formerly Invitae), Labcorp
Classification: Uncertain significance. Last evaluated: 2022-05-29. Review status: criteria provided, single submitter. Criteria: Invitae Variant Classification Sherloc (09022015). Collection method: clinical testing. Allele origin: germline.
Comment: This variant is not present in population databases (gnomAD no frequency). This sequence change replaces arginine, which is basic and polar, with glutamine, which is neutral and polar, at codon 39 of the IMPDH1 protein (p.Arg39Gln). This variant has not been reported in the literature in individuals affected with IMPDH1-related conditions. Algorithms developed to predict the effect of missense changes on protein structure and function are either unavailable or do not agree on the potential impact of this missense change (SIFT: "Deleterious"; PolyPhen-2: "Benign"; Align-GVGD: "Class C0"). In summary, the available evidence is currently insufficient to determine the role of this variant in disease. Therefore, it has been classified as a Variant of Uncertain Significance.